The following is an entry in ClinVar:

NM_001081.4(CUBN):c.4058T>A (p.Val1353Glu)

Gene: CUBN (cubilin; minus strand). Cytogenetic location: 10p13.
Variant type: single nucleotide variant.
Coding change: c.4058T>A on transcript NM_001081.4 (MANE Select); coding-DNA position 4058, T replaced by A.
Protein change: p.Val1353Glu; replaces valine 1353 with glutamic acid.
Molecular consequence: missense variant.
Genome position (GRCh38, 1-based): chr10:17,019,943, A>T on the plus strand (T>A on the coding strand, the complement: CUBN is on the minus strand). VCF-style: chr10-17019943-A-T. GRCh37 (hg19) VCF-style: chr10-17061942-A-T.
Other names: short protein forms V1353E.
Identifiers: ClinVar variation 4981301 (VCV004981301.1).
Genomic context (GRCh38, chr10:17,019,943, plus strand): 5'-TCTGTAAGGAGCAGCACTTGAAGCTTGGAGCTTGTAGTACTCCCTGGAGGGGGCAGGTCT[A>T]CTCCACAGTAGCGTCCCATCTGCCGTGGTCCATCATAGAGCTGAAATTGAAGAGAAACTT-3'
Protein context (NP_001072.2, residues 1343-1363): GPRQMGRYCG[Val1353Glu]DLPPPGSTTS

ClinVar aggregate classification (germline): Uncertain significance (1 of 4 stars; one submission).

Conditions:
CUBN-related disorder. Also called: CUBN-related condition.

gnomAD v4.1: 82 of 1,613,992 alleles (0.0051%); highest among the groups gnomAD compares: South Asian, 0.085%; no homozygotes.

Submission:

PreventionGenetics, part of Exact Sciences
Classification: Uncertain significance for CUBN-related condition. Last evaluated: 2025-04-12. Review status: criteria provided, single submitter. Criteria: ACMG Guidelines, 2015. Collection method: clinical testing. Allele origin: germline.
Comment: The CUBN c.4058T>A variant is predicted to result in the amino acid substitution p.Val1353Glu. To our knowledge, this variant has not been reported in the literature. This variant is reported in 0.082% of alleles in individuals of South Asian descent in gnomAD. Although we suspect that this variant may be benign, at this time, the clinical significance of this variant is uncertain due to the absence of conclusive functional and genetic evidence.